The following is an entry in ClinVar:

ClinVar aggregate classification (germline): Benign. Review status: criteria provided, single submitter (1 of 4 stars). 2 submissions from 2 submitters: Benign (1). 1 of the submissions does not count toward it. Last evaluated 2026-01-26.

Conditions:
CEP250-related disorder. Also called: CEP250-related condition.

Allele frequency attached by ClinVar (database versions not stated): gnomAD 0.00145 and 0.00153; ExAC 0.00149; TOPMed 0.00196; gnomAD exomes 0.00222; 1000 Genomes Project 0.00260; 1000 Genomes Project 30x 0.00328.
gnomAD v4.1: 981 of 1,610,452 alleles (0.061%); highest among the groups gnomAD compares: Admixed American, 1.5%; 18 homozygotes.

Submissions (2):

Labcorp Genetics (formerly Invitae), Labcorp
Classification: Benign. Last evaluated: 2026-01-26. Review status: criteria provided, single submitter. Criteria: Invitae Variant Classification Sherloc (09022015). Collection method: clinical testing. Allele origin: germline.

PreventionGenetics, part of Exact Sciences
Classification: Benign for CEP250-related condition. Last evaluated: 2019-07-12. Review status: no assertion criteria provided. Collection method: clinical testing. Allele origin: germline. Not counted in ClinVar's aggregate classification.
Comment: This variant is classified as benign based on ACMG/AMP sequence variant interpretation guidelines (Richards et al. 2015 PMID: 25741868, with internal and published modifications).

NM_007186.6(CEP250):c.6611G>A (p.Arg2204Gln)

Gene: CEP250 (centrosomal protein 250; plus strand). Cytogenetic location: 20q11.22.
Variant type: single nucleotide variant.
Coding change: c.6611G>A on transcript NM_007186.6 (MANE Select); coding-DNA position 6611, G replaced by A.
Protein change: p.Arg2204Gln; replaces arginine 2204 with glutamine.
Molecular consequence: missense variant.
Genome position (GRCh38, 1-based): chr20:35,504,980, G>A. VCF-style: chr20-35504980-G-A. GRCh37 (hg19) VCF-style: chr20-34092808-G-A.
Other names: c.4715G>A, p.Arg1572Gln (NM_001318219.1); short protein forms R2204Q, R1572Q.
Identifiers: ClinVar variation 714187 (VCV000714187.13), dbSNP rs188311566, ClinGen allele CA9834102.